The following is an entry in ClinVar:

NM_001013838.3(CARMIL2):c.2296G>C (p.Ala766Pro)

Gene: CARMIL2 (capping protein regulator and myosin 1 linker 2; plus strand). Cytogenetic location: 16q22.1.
Variant type: single nucleotide variant.
Coding change: c.2296G>C on transcript NM_001013838.3 (MANE Select); coding-DNA position 2296, G replaced by C.
Protein change: p.Ala766Pro; replaces alanine 766 with proline.
Molecular consequence: missense variant.
Genome position (GRCh38, 1-based): chr16:67,651,298, G>C. VCF-style: chr16-67651298-G-C. GRCh37 (hg19) VCF-style: chr16-67685201-G-C.
Other names: c.2188G>C, p.Ala730Pro (NM_001317026.3); short protein forms A766P, A730P.
Identifiers: ClinVar variation 1376956 (VCV001376956.6), dbSNP rs2142932659, ClinGen allele CA396340715.

ClinVar aggregate classification (germline): Uncertain significance (1 of 4 stars; one submission).

Submission:

Labcorp Genetics (formerly Invitae), Labcorp
Classification: Uncertain significance. Last evaluated: 2025-02-03. Review status: criteria provided, single submitter. Criteria: Invitae Variant Classification Sherloc (09022015). Collection method: clinical testing. Allele origin: germline.
Comment: This sequence change replaces alanine, which is neutral and non-polar, with proline, which is neutral and non-polar, at codon 766 of the CARMIL2 protein (p.Ala766Pro). This variant is not present in population databases (gnomAD no frequency). This variant has not been reported in the literature in individuals affected with CARMIL2-related conditions. ClinVar contains an entry for this variant (Variation ID: 1376956). Invitae Evidence Modeling of protein sequence and biophysical properties (such as structural, functional, and spatial information, amino acid conservation, physicochemical variation, residue mobility, and thermodynamic stability) indicates that this missense variant is expected to disrupt CARMIL2 protein function with a positive predictive value of 80%. In summary, the available evidence is currently insufficient to determine the role of this variant in disease. Therefore, it has been classified as a Variant of Uncertain Significance.